The following is an entry in ClinVar:

NM_007078.3(LDB3):c.178A>T (p.Met60Leu)

Gene: LDB3 (LIM domain binding 3; plus strand). Cytogenetic location: 10q23.2.
Variant type: single nucleotide variant.
Coding change: c.178A>T on transcript NM_007078.3 (MANE Select); coding-DNA position 178, A replaced by T.
Protein change: p.Met60Leu; replaces methionine 60 with leucine.
Molecular consequence: missense variant.
Genome position (GRCh38, 1-based): chr10:86,679,451, A>T. VCF-style: chr10-86679451-A-T. GRCh37 (hg19) VCF-style: chr10-88439208-A-T.
Other names: c.178A>T, p.Met60Leu (NM_001080114.2, NM_001080115.2, NM_001080116.1 and 8 more transcripts); short protein forms M60L.
Identifiers: ClinVar variation 4726828 (VCV004726828.1).

ClinVar aggregate classification (germline): Uncertain significance (1 of 4 stars; one submission).

Conditions:
Myofibrillar myopathy 4. Also called: Zaspopathy (type). Identifiers: Orphanet 98912, MedGen C4721886, MONDO:0012277, OMIM 609452.

gnomAD v4.1: 2 of 1,614,198 alleles (0.00012%); highest among the groups gnomAD compares: East Asian, 0.0045%; no homozygotes.

Submission:

Labcorp Genetics (formerly Invitae), Labcorp
Classification: Uncertain significance for Myofibrillar myopathy 4. Last evaluated: 2025-09-08. Review status: criteria provided, single submitter. Criteria: Invitae Variant Classification Sherloc (09022015). Collection method: clinical testing. Allele origin: germline.
Comment: This sequence change replaces methionine, which is neutral and non-polar, with leucine, which is neutral and non-polar, at codon 60 of the LDB3 protein (p.Met60Leu). This variant is present in population databases (rs747835472, gnomAD 0.01%). This variant has not been reported in the literature in individuals affected with LDB3-related conditions. An algorithm developed to predict the effect of missense changes on protein structure and function (PolyPhen-2) suggests that this variant is likely to be tolerated. In summary, the available evidence is currently insufficient to determine the role of this variant in disease. Therefore, it has been classified as a Variant of Uncertain Significance.